The following is an entry in ClinVar:

ClinVar aggregate classification (germline): Uncertain significance (1 of 4 stars; one submission).

Conditions:
Hereditary cancer-predisposing syndrome. Also called: Tumor predisposition; Hereditary Cancer Syndrome; Hereditary neoplastic syndrome; Neoplastic Syndromes, Hereditary. Identifiers: Orphanet 140162, MedGen C0027672, MeSH D009386, MONDO:0015356.

Submission:

Ambry Genetics
Classification: Uncertain significance for Hereditary cancer-predisposing syndrome. Last evaluated: 2023-09-05. Review status: criteria provided, single submitter. Criteria: Ambry Variant Classification Scheme 2023. Collection method: clinical testing. Allele origin: germline.
Comment: The p.V1034L variant (also known as c.3100G>T), located in coding exon 18 of the PTCH1 gene, results from a G to T substitution at nucleotide position 3100. The valine at codon 1034 is replaced by leucine, an amino acid with highly similar properties. This amino acid position is conserved. In addition, this alteration is predicted to be deleterious by in silico analysis. Since supporting evidence is limited at this time, the clinical significance of this alteration remains unclear.

NM_000264.5(PTCH1):c.3100G>T (p.Val1034Leu)

Gene: PTCH1 (patched 1; minus strand). Cytogenetic location: 9q22.32.
Variant type: single nucleotide variant.
Coding change: c.3100G>T on transcript NM_000264.5 (MANE Select); coding-DNA position 3100, G replaced by T.
Protein change: p.Val1034Leu; replaces valine 1034 with leucine.
Molecular consequence: missense variant. On other transcripts: non-coding transcript variant (1).
Genome position (GRCh38, 1-based): chr9:95,458,081, C>A on the plus strand (G>T on the coding strand, the complement: PTCH1 is on the minus strand). VCF-style: chr9-95458081-C-A. GRCh37 (hg19) VCF-style: chr9-98220363-C-A.
Other names: c.2902G>T, p.Val968Leu (NM_001083602.3); c.3097G>T, p.Val1033Leu (NM_001083603.3); c.2647G>T, p.Val883Leu (NM_001083604.3, NM_001083605.3, NM_001083606.3 and 1 more transcripts); c.2944G>T, p.Val982Leu (NM_001354918.2); short protein forms V1033L, V968L, V1034L, V982L, V883L.
Identifiers: ClinVar variation 2626246 (VCV002626246.2), dbSNP rs760902564, ClinGen allele CA374112390.